The following is an entry in ClinVar:

NM_003742.4(ABCB11):c.212T>A (p.Leu71His)

Gene: ABCB11 (ATP binding cassette subfamily B member 11; minus strand). Cytogenetic location: 2q31.1.
Variant type: single nucleotide variant.
Coding change: c.212T>A on transcript NM_003742.4 (MANE Select); coding-DNA position 212, T replaced by A.
Protein change: p.Leu71His; replaces leucine 71 with histidine.
Molecular consequence: missense variant.
Genome position (GRCh38, 1-based): chr2:169,013,449, A>T on the plus strand (T>A on the coding strand, the complement: ABCB11 is on the minus strand). VCF-style: chr2-169013449-A-T. GRCh37 (hg19) VCF-style: chr2-169869959-A-T.
Other names: short protein forms L71H.
Identifiers: ClinVar variation 4846093 (VCV004846093.1).

ClinVar aggregate classification (germline): Uncertain significance (1 of 4 stars; one submission).

Conditions:
Familial intrahepatic cholestasis. Identifiers: Orphanet 284385, MedGen CN296401, MONDO:0017290.

Submission:

Genomenon, Inc
Classification: Uncertain significance for Familial intrahepatic cholestasis. Last evaluated: 2026-04-14. Review status: criteria provided, single submitter. Criteria: Genomenon Sequence Variant Interpretation Standards - Updated. Collection method: curation. Allele origin: germline. Affected: yes.
Comment: ABCB11 p.Leu71His (c.212T>A) is a missense variant that changes the amino acid at residue 71 from Leucine to Histidine. This variant has been observed in at least one proband with an ABCB11-related disorder (PMID:26382629). It has been observed in trans with a pathogenic or likely pathogenic variant (PMID:26382629). It is absent or not present at a significant frequency in gnomAD. In conclusion, we classify ABCB11 p.Leu71His (c.212T>A) as a variant of uncertain significance.

Literature cited by the submitters: PubMed 26382629.